The following is an entry in ClinVar:

NM_005359.6(SMAD4):c.180T>C (p.Ala60=)

Gene: SMAD4 (SMAD family member 4; plus strand). Cytogenetic location: 18q21.2.
Variant type: single nucleotide variant.
Coding change: c.180T>C on transcript NM_005359.6 (MANE Select); coding-DNA position 180, T replaced by C.
Protein change: p.Ala60=; no amino-acid change (alanine 60 retained).
Molecular consequence: synonymous variant. On other transcripts: non-coding transcript variant (2).
Genome position (GRCh38, 1-based): chr18:51,047,226, T>C. VCF-style: chr18-51047226-T-C. GRCh37 (hg19) VCF-style: chr18-48573596-T-C.
Other names: c.180T>C, p.Ala60= (NM_001407041.1, NM_001407042.1, NM_001407043.1).
Identifiers: ClinVar variation 3903803 (VCV003903803.1).
Genomic context (GRCh38, chr18:51,047,226, plus strand): 5'-TGAAAGTTTGGTAAAGAAGCTGAAGGAGAAAAAAGATGAATTGGATTCTTTAATAACAGC[T>C]ATAACTACAAATGGAGCTCATCCTAGTAAATGTGTTACCATACAGAGAACATTGGATGGG-3'
Protein context (NP_005350.1, residues 50-70): KKDELDSLIT[Ala60=]ITTNGAHPSK

ClinVar aggregate classification (germline): Benign (1 of 4 stars; one submission).

Conditions:
Juvenile polyposis/hereditary hemorrhagic telangiectasia syndrome (JPHT). Also called: JP/HHT SYNDROME; JUVENILE POLYPOSIS WITH HEREDITARY HEMORRHAGIC TELANGIECTASIA; POLYPOSIS, GENERALIZED JUVENILE, WITH PULMONARY ARTERIOVENOUS MALFORMATION; TELANGIECTASIA, HEREDITARY HEMORRHAGIC, WITH JUVENILE POLYPOSIS COLI; Juvenile Polyposis Syndrome / Hereditary Hemorrhagic Telangiectasia (JPS/HHT). Identifiers: Orphanet 2929, MedGen C1832942, MONDO:0008278, OMIM 175050.

gnomAD v4.1: 5 of 1,613,714 alleles (0.00031%); highest among the groups gnomAD compares: Non-Finnish European, 0.00042%; no homozygotes.

Submission:

Myriad Genetics, Inc.
Classification: Benign for Juvenile polyposis/hereditary hemorrhagic telangiectasia syndrome. Last evaluated: 2025-03-18. Review status: criteria provided, single submitter. Criteria: Myriad Autosomal Dominant, Autosomal Recessive and X-Linked Classification Criteria (2023). Collection method: clinical testing. Allele origin: unknown.
Comment: This variant is considered benign. This variant is a silent/synonymous amino acid change and it is not expected to impact splicing.